The following is an entry in ClinVar:

ClinVar aggregate classification (germline): Uncertain significance (1 of 4 stars; one submission).

Conditions:
Inborn genetic diseases. Identifiers: MedGen C0950123, MeSH D030342.

gnomAD v4.1: 5 of 1,614,148 alleles (0.00031%); highest among the groups gnomAD compares: African/African-American, 0.0027%; no homozygotes.

Submission:

Ambry Genetics
Classification: Uncertain significance for Inborn genetic diseases. Last evaluated: 2025-10-08. Review status: criteria provided, single submitter. Criteria: Ambry Variant Classification Scheme 2023. Collection method: clinical testing. Allele origin: germline.
Comment: The p.N1241D variant (also known as c.3721A>G), located in coding exon 37 of the FANCA gene, results from an A to G substitution at nucleotide position 3721. The asparagine at codon 1241 is replaced by aspartic acid, an amino acid with highly similar properties. This amino acid position is conserved. In addition, this alteration is predicted to be tolerated by in silico analysis. Based on the available evidence, the clinical significance of this variant remains unclear.

NM_000135.4(FANCA):c.3721A>G (p.Asn1241Asp)

Gene: FANCA (FA complementation group A; minus strand). Cytogenetic location: 16q24.3.
Variant type: single nucleotide variant.
Coding change: c.3721A>G on transcript NM_000135.4 (MANE Select); coding-DNA position 3721, A replaced by G.
Protein change: p.Asn1241Asp; replaces asparagine 1241 with aspartic acid.
Molecular consequence: missense variant.
Genome position (GRCh38, 1-based): chr16:89,742,844, T>C on the plus strand (A>G on the coding strand, the complement: FANCA is on the minus strand). VCF-style: chr16-89742844-T-C. GRCh37 (hg19) VCF-style: chr16-89809252-T-C.
Other names: c.3721A>G, p.Asn1241Asp (NM_001286167.3); short protein forms N1241D.
Identifiers: ClinVar variation 4022386 (VCV004022386.2).